The following is an entry in ClinVar:

ClinVar aggregate classification (germline): Uncertain significance (1 of 4 stars; one submission).

Submission:

GeneDx
Classification: Uncertain significance. Last evaluated: 2022-06-09. Review status: criteria provided, single submitter. Criteria: GeneDx Variant Classification Process June 2021. Collection method: clinical testing. Allele origin: germline. Affected: yes.
Comment: Not observed at significant frequency in large population cohorts (gnomAD); Missense variants in this gene are often considered pathogenic (HGMD); In silico analysis supports that this missense variant has a deleterious effect on protein structure/function; Has not been previously published as pathogenic or benign to our knowledge; This variant is associated with the following publications: (PMID: 29493581)

NM_002834.5(PTPN11):c.323C>T (p.Thr108Ile)

Gene: PTPN11 (protein tyrosine phosphatase non-receptor type 11; plus strand). Cytogenetic location: 12q24.13.
Variant type: single nucleotide variant.
Coding change: c.323C>T on transcript NM_002834.5 (MANE Select); coding-DNA position 323, C replaced by T.
Protein change: p.Thr108Ile; replaces threonine 108 with isoleucine.
Molecular consequence: missense variant.
Genome position (GRCh38, 1-based): chr12:112,450,503, C>T. VCF-style: chr12-112450503-C-T. GRCh37 (hg19) VCF-style: chr12-112888307-C-T.
Other names: c.323C>T, p.Thr108Ile (NM_001330437.2, NM_080601.3); c.320C>T, p.Thr107Ile (NM_001374625.1); short protein forms T107I, T108I.
Identifiers: ClinVar variation 1803533 (VCV001803533.1), dbSNP rs2135863072, ClinGen allele CA386778469.
Genomic context (GRCh38, chr12:112,450,503, plus strand): 5'-TAAAAGAGAAGAATGGAGATGTCATTGAGCTTAAATATCCTCTGAACTGTGCAGATCCTA[C>T]CTCTGAAAGGTCAGTAACATTTTAGTGACCACAAAGTCTGCTGCTCCCTTGTGCCCTGAG-3'
Protein context (NP_002825.3, residues 98-118): LKYPLNCADP[Thr108Ile]SERWFHGHLS